The following is an entry in ClinVar:

ClinVar aggregate classification (germline): Benign/Likely benign. Review status: criteria provided, multiple submitters, no conflicts (2 of 4 stars). 3 submissions from 3 submitters: Benign (1); Likely benign (2). Last evaluated 2025-11-18.

Conditions:
Hereditary cancer-predisposing syndrome. Also called: Neoplastic Syndromes, Hereditary; Tumor predisposition; Hereditary Cancer Syndrome; Hereditary neoplastic syndrome. Identifiers: Orphanet 140162, MedGen C0027672, MeSH D009386, MONDO:0015356.
Familial cancer of breast. Also called: BREAST CANCER, FAMILIAL; hereditary breast carcinoma; Hereditary breast cancer. Identifiers: Orphanet 227535, MedGen C0346153, MONDO:0016419, OMIM 114480. Disease mechanism: loss of function.

Allele frequency attached by ClinVar (database versions not stated): gnomAD exomes below 0.00001.
gnomAD v4.1: 1 of 1,614,176 alleles (0.000062%); highest among the groups gnomAD compares: Non-Finnish European, 0.000085%; no homozygotes.

Submissions (3):

Labcorp Genetics (formerly Invitae), Labcorp
Classification: Likely benign for Familial cancer of breast. Last evaluated: 2025-11-18. Review status: criteria provided, single submitter. Criteria: Invitae Variant Classification Sherloc (09022015). Collection method: clinical testing. Allele origin: germline.

Myriad Genetics, Inc.
Classification: Benign for Familial cancer of breast. Last evaluated: 2025-01-10. Review status: criteria provided, single submitter. Criteria: Myriad Autosomal Dominant, Autosomal Recessive and X-Linked Classification Criteria (2023). Collection method: clinical testing. Allele origin: unknown.
Comment: This variant is considered benign. This variant is a silent/synonymous amino acid change and it is not expected to impact splicing.

Ambry Genetics
Classification: Likely benign for Hereditary cancer-predisposing syndrome. Last evaluated: 2021-09-17. Review status: criteria provided, single submitter. Criteria: Ambry Variant Classification Scheme 2023. Collection method: clinical testing. Allele origin: germline.

NM_024675.4(PALB2):c.705A>G (p.Thr235=)

Gene: PALB2 (partner and localizer of BRCA2; minus strand). Cytogenetic location: 16p12.2.
Variant type: single nucleotide variant.
Coding change: c.705A>G on transcript NM_024675.4 (MANE Select); coding-DNA position 705, A replaced by G.
Protein change: p.Thr235=; no amino-acid change (threonine 235 retained).
Molecular consequence: synonymous variant. On other transcripts: 5 prime UTR variant (8), intron variant (3).
Genome position (GRCh38, 1-based): chr16:23,635,841, T>C on the plus strand (A>G on the coding strand, the complement: PALB2 is on the minus strand). VCF-style: chr16-23635841-T-C. GRCh37 (hg19) VCF-style: chr16-23647162-T-C.
Other names: c.645A>G, p.Thr215= (NM_001407296.1); c.705A>G, p.Thr235= (NM_001407297.1, NM_001407298.1, NM_001407299.1 and 3 more transcripts); c.-181A>G (NM_001407304.1, NM_001407305.1, NM_001407306.1 and 5 more transcripts); c.48+5269A>G (NM_001407314.1); c.-105+5269A>G (NM_001407313.1, NM_001407312.1).
Identifiers: ClinVar variation 1756917 (VCV001756917.8), dbSNP rs2142436806, ClinGen allele CA494461784.